The following is an entry in ClinVar:

NM_006506.5(RASA2):c.657G>A (p.Pro219=)

Gene: RASA2 (RAS p21 protein activator 2; plus strand). Cytogenetic location: 3q23.
Variant type: single nucleotide variant.
Coding change: c.657G>A on transcript NM_006506.5 (MANE Select); coding-DNA position 657, G replaced by A.
Protein change: p.Pro219=; no amino-acid change (proline 219 retained).
Molecular consequence: synonymous variant.
Genome position (GRCh38, 1-based): chr3:141,555,885, G>A. VCF-style: chr3-141555885-G-A. GRCh37 (hg19) VCF-style: chr3-141274727-G-A.
Other names: c.657G>A, p.Pro219= (NM_001303245.3, NM_001303246.3).
Identifiers: ClinVar variation 496328 (VCV000496328.26), dbSNP rs34238772, ClinGen allele CA2645265.
Genomic context (GRCh38, chr3:141,555,885, plus strand): 5'-ACCACATTGGAACAGGAATGACCAAAAGAAGACAAAAGTAAAGAAGAAAACAAGCAATCC[G>A]CAGTTTAATGAAATCTTTTATTTTGAGGTAATTTTTTGTTTTACGTAAATGTTAACATTA-3'
Protein context (NP_006497.2, residues 209-229): KTKVKKKTSN[Pro219=]QFNEIFYFEV

ClinVar aggregate classification (germline): Benign/Likely benign. Review status: criteria provided, multiple submitters, no conflicts (2 of 4 stars). 6 submissions from 6 submitters: Benign (3); Likely benign (3). Last evaluated 2026-02-03.

Allele frequency attached by ClinVar (database versions not stated): ExAC 0.00231; ESP Exome Variant Server 0.00792; 1000 Genomes Project 0.00799; TOPMed 0.00800; 1000 Genomes Project 30x 0.00843.
gnomAD v4.1: 2,157 of 1,611,060 alleles (0.13%); highest among the groups gnomAD compares: African/African-American, 2.5%; 28 homozygotes.

Submissions (6):

Labcorp Genetics (formerly Invitae), Labcorp
Classification: Benign. Last evaluated: 2026-02-03. Review status: criteria provided, single submitter. Criteria: Invitae Variant Classification Sherloc (09022015). Collection method: clinical testing. Allele origin: germline.

ARUP Laboratories, Molecular Genetics and Genomics, ARUP Laboratories
Classification: Benign. Last evaluated: 2023-08-28. Review status: criteria provided, single submitter. Criteria: ARUP Molecular Germline Variant Investigation Process 2024. Collection method: clinical testing. Allele origin: germline.

Ambry Genetics
Classification: Likely benign. Last evaluated: 2022-02-14. Review status: criteria provided, single submitter. Criteria: Ambry Variant Classification Scheme 2023. Collection method: clinical testing. Allele origin: germline.

GeneDx
Classification: Likely benign. Last evaluated: 2021-01-12. Review status: criteria provided, single submitter. Criteria: GeneDx Variant Classification Process June 2021. Collection method: clinical testing. Allele origin: germline. Affected: yes.

Women's Health and Genetics/Laboratory Corporation of America, LabCorp
Classification: Benign. Last evaluated: 2017-07-04. Review status: criteria provided, single submitter. Criteria: LabCorp Variant Classification Summary - May 2015. Collection method: clinical testing. Allele origin: germline.
Comment: Variant summary: The RASA2 c.657G>A (p.Pro219Pro) variant involves the alteration of a non-conserved nucleotide, resulting in a synonymous change. Mutation taster predicts a damaging outcome for this variant. 5/5 splice prediction tools predict no significant impact on normal splicing. ESE finder predicts that this variant may affect binding of multiple ESE sites. However, these predictions have yet to be confirmed by functional studies. This variant was found in 267/115432 control chromosomes (3 homozygotes), predominantly observed in the African subpopulation at a frequency of 0.025072 (243/9692). This frequency is about 5014 times the estimated maximal expected allele frequency of a pathogenic RASA2 variant (0.000005), suggesting this is likely a benign polymorphism found primarily in the populations of African origin. The variant of interest has not, to our knowledge, been reported in affected individuals via publications and/or reputable databases/clinical diagnostic laboratories. Taken together, this variant is classified as benign.

Breakthrough Genomics
Classification: Likely benign. Review status: criteria provided, single submitter. Criteria: ACMG Guidelines, 2015. Collection method: not provided. Allele origin: germline. Inheritance: Unknown mechanism. Affected: yes.